The following is an entry in ClinVar:

ClinVar aggregate classification (germline): Uncertain significance (1 of 4 stars; one submission).

Conditions:
Metachromatic leukodystrophy (MLD). Also called: ARSA DEFICIENCY; CEREBROSIDE SULFATASE DEFICIENCY; Arylsulfatase A Deficiency; Cerebral sclerosis diffuse metachromatic form; METACHROMATIC LEUKOENCEPHALOPATHY; SULFATIDE LIPIDOSIS. Identifiers: Orphanet 512, MedGen C0023522, MONDO:0018868, OMIM 250100.

Submission:

Labcorp Genetics (formerly Invitae), Labcorp
Classification: Uncertain significance for Metachromatic leukodystrophy. Last evaluated: 2020-07-07. Review status: criteria provided, single submitter. Criteria: Invitae Variant Classification Sherloc (09022015). Collection method: clinical testing. Allele origin: germline.
Comment: This sequence change replaces cysteine with serine at codon 158 of the ARSA protein (p.Cys158Ser). The cysteine residue is highly conserved and there is a moderate physicochemical difference between cysteine and serine. In summary, the available evidence is currently insufficient to determine the role of this variant in disease. Therefore, it has been classified as a Variant of Uncertain Significance. Algorithms developed to predict the effect of missense changes on protein structure and function (SIFT, PolyPhen-2, Align-GVGD) all suggest that this variant is likely to be disruptive, but these predictions have not been confirmed by published functional studies and their clinical significance is uncertain. This variant has not been reported in the literature in individuals with ARSA-related conditions. This variant is not present in population databases (ExAC no frequency).

NM_000487.6(ARSA):c.473G>C (p.Cys158Ser)

Gene: ARSA (arylsulfatase A; minus strand). Cytogenetic location: 22q13.33.
Variant type: single nucleotide variant.
Coding change: c.473G>C on transcript NM_000487.6 (MANE Select); coding-DNA position 473, G replaced by C.
Protein change: p.Cys158Ser; replaces cysteine 158 with serine.
Molecular consequence: missense variant.
Genome position (GRCh38, 1-based): chr22:50,627,045, C>G on the plus strand (G>C on the coding strand, the complement: ARSA is on the minus strand). VCF-style: chr22-50627045-C-G. GRCh37 (hg19) VCF-style: chr22-51065473-C-G.
Other names: c.473G>C, p.Cys158Ser (NM_001085425.3, NM_001085426.3, NM_001085427.3); c.215G>C, p.Cys72Ser (NM_001085428.3, NM_001362782.2); short protein forms C158S, C72S.
Identifiers: ClinVar variation 1027231 (VCV001027231.8), dbSNP rs1226689808, ClinGen allele CA412178140.